The following is an entry in ClinVar:

NM_013275.6(ANKRD11):c.5550C>G (p.Tyr1850Ter)

Gene: ANKRD11 (ankyrin repeat domain 11; minus strand). Cytogenetic location: 16q24.3.
Variant type: single nucleotide variant.
Coding change: c.5550C>G on transcript NM_013275.6 (MANE Select); coding-DNA position 5550, C replaced by G.
Protein change: p.Tyr1850Ter; replaces tyrosine 1850 with a stop codon.
Molecular consequence: nonsense.
Genome position (GRCh38, 1-based): chr16:89,280,992, G>C on the plus strand (C>G on the coding strand, the complement: ANKRD11 is on the minus strand). VCF-style: chr16-89280992-G-C. GRCh37 (hg19) VCF-style: chr16-89347400-G-C.
Other names: c.5550C>G, p.Tyr1850Ter (NM_001256182.2, NM_001256183.2); short protein forms Y1850*.
Identifiers: ClinVar variation 1031769 (VCV001031769.2), dbSNP rs2034182420, ClinGen allele CA397153743.

ClinVar aggregate classification (germline): Pathogenic. Review status: criteria provided, multiple submitters, no conflicts (2 of 4 stars). 2 submissions from 2 submitters: Pathogenic (2). Last evaluated 2023-09-07.

Conditions:
KBG syndrome (KBGS). Also called: ANKRD11-Related KBG Syndrome. Identifiers: Orphanet 2332, MedGen C0220687, MONDO:0007846, OMIM 148050.

Submissions (2):

GeneDx
Classification: Pathogenic. Last evaluated: 2023-09-07. Review status: criteria provided, single submitter. Criteria: GeneDx Variant Classification Process June 2021. Collection method: clinical testing. Allele origin: germline. Affected: yes.
Comment: Apparently de novo variant in a patient with multiple congenital anomalies in the published literature, but additional clinical information was not included (Wang et al., 2021); Nonsense variant predicted to result in protein truncation or nonsense mediated decay in a gene for which loss of function is a known mechanism of disease; Not observed at significant frequency in large population cohorts (gnomAD); This variant is associated with the following publications: (PMID: 33502061)

Baylor Genetics
Classification: Pathogenic for KBG syndrome. Last evaluated: 2018-05-10. Review status: criteria provided, single submitter. Criteria: ACMG Guidelines, 2015. Collection method: clinical testing. Allele origin: unknown. Affected: yes.
Comment: This variant was determined to be pathogenic according to ACMG Guidelines, 2015 [PMID:25741868].